The following is an entry in ClinVar:

ClinVar aggregate classification (germline): Uncertain significance (1 of 4 stars; one submission).

Submission:

Labcorp Genetics (formerly Invitae), Labcorp
Classification: Uncertain significance. Last evaluated: 2025-02-24. Review status: criteria provided, single submitter. Criteria: Invitae Variant Classification Sherloc (09022015). Collection method: clinical testing. Allele origin: germline.
Comment: This sequence change replaces valine, which is neutral and non-polar, with isoleucine, which is neutral and non-polar, at codon 144 of the REPS1 protein (p.Val144Ile). This variant is present in population databases (no rsID available, gnomAD 0.007%). This variant has not been reported in the literature in individuals affected with REPS1-related conditions. Invitae Evidence Modeling of protein sequence and biophysical properties (such as structural, functional, and spatial information, amino acid conservation, physicochemical variation, residue mobility, and thermodynamic stability) indicates that this missense variant is not expected to disrupt REPS1 protein function with a negative predictive value of 80%. In summary, the available evidence is currently insufficient to determine the role of this variant in disease. Therefore, it has been classified as a Variant of Uncertain Significance.

NM_001286611.2(REPS1):c.430G>A (p.Val144Ile)

Gene: REPS1 (RALBP1 associated Eps domain containing 1; minus strand). Cytogenetic location: 6q24.1.
Variant type: single nucleotide variant.
Coding change: c.430G>A on transcript NM_001286611.2 (MANE Select); coding-DNA position 430, G replaced by A.
Protein change: p.Val144Ile; replaces valine 144 with isoleucine.
Molecular consequence: missense variant.
Genome position (GRCh38, 1-based): chr6:138,945,545, C>T on the plus strand (G>A on the coding strand, the complement: REPS1 is on the minus strand). VCF-style: chr6-138945545-C-T. GRCh37 (hg19) VCF-style: chr6-139266682-C-T.
Other names: c.430G>A, p.Val144Ile (NM_001128617.3, NM_001286612.2, NM_031922.5); short protein forms V144I.
Identifiers: ClinVar variation 3621055 (VCV003621055.2).